The following is an entry in ClinVar:

NM_003361.4(UMOD):c.39G>A (p.Val13=)

Gene: UMOD (uromodulin; minus strand). Cytogenetic location: 16p12.3.
Variant type: single nucleotide variant.
Coding change: c.39G>A on transcript NM_003361.4 (MANE Select); coding-DNA position 39, G replaced by A.
Protein change: p.Val13=; no amino-acid change (valine 13 retained).
Molecular consequence: synonymous variant. On other transcripts: non-coding transcript variant (1).
Genome position (GRCh38, 1-based): chr16:20,350,699, C>T on the plus strand (G>A on the coding strand, the complement: UMOD is on the minus strand). VCF-style: chr16-20350699-C-T. GRCh37 (hg19) VCF-style: chr16-20362021-C-T.
Other names: c.39G>A (NM_003361.3); c.39G>A, p.Val13= (NM_001008389.3, NM_001278614.2, NM_001378232.1 and 4 more transcripts).
Identifiers: ClinVar variation 2784809 (VCV002784809.4), dbSNP rs1316414108, ClinGen allele CA493838216.

ClinVar aggregate classification (germline): Likely benign. Review status: criteria provided, multiple submitters, no conflicts (2 of 4 stars). 2 submissions from 2 submitters: Likely benign (2). Last evaluated 2025-05-05.

Conditions:
UMOD-related disorder. Also called: UMOD-related condition.

gnomAD v4.1: 2 of 1,614,040 alleles (0.00012%); highest among the groups gnomAD compares: Admixed American, 0.0033%; no homozygotes.

Submissions (2):

PreventionGenetics, part of Exact Sciences
Classification: Likely benign for UMOD-related condition. Last evaluated: 2025-05-05. Review status: criteria provided, single submitter. Criteria: ACMG Guidelines, 2015. Collection method: clinical testing. Allele origin: germline.
Comment: This variant is classified as likely benign based on ACMG/AMP sequence variant interpretation guidelines (Richards et al. 2015 PMID: 25741868, with internal and published modifications).

Labcorp Genetics (formerly Invitae), Labcorp
Classification: Likely benign. Last evaluated: 2023-09-13. Review status: criteria provided, single submitter. Criteria: Invitae Variant Classification Sherloc (09022015). Collection method: clinical testing. Allele origin: germline.